The following is an entry in ClinVar:

NC_000020.10:g.(?_13765715)_(15124933_?)dup

Genes: SEL1L2 (SEL1L2 adaptor subunit of SYVN1 ubiquitin ligase; minus strand), FLRT3 (fibronectin leucine rich transmembrane protein 3; minus strand), MACROD2 (mono-ADP ribosylhydrolase 2; plus strand), NDUFAF5 (NADH:ubiquinone oxidoreductase complex assembly factor 5; plus strand). Cytogenetic location: 20p12.1.
Variant type: Duplication.
Identifiers: ClinVar variation 2426808 (VCV002426808.3).

ClinVar aggregate classification (germline): Uncertain significance (1 of 4 stars; one submission).

Submission:

Labcorp Genetics (formerly Invitae), Labcorp
Classification: Uncertain significance. Last evaluated: 2021-12-02. Review status: criteria provided, single submitter. Criteria: Invitae Variant Classification Sherloc (09022015). Collection method: clinical testing. Allele origin: germline.
Comment: A copy number gain of the genomic region encompassing the full coding sequence of the NDUFAF5 gene has been identified. The boundaries of this event are unknown as they extend beyond the assayed region for this gene and therefore may encompass additional genes. As the precise location of this event is unknown, it may be in tandem or it may be located elsewhere in the genome. This variant has not been reported in the literature in individuals affected with NDUFAF5-related conditions. In summary, the available evidence is currently insufficient to determine the role of this variant in disease. Therefore, it has been classified as a Variant of Uncertain Significance.